The following is an entry in ClinVar:

NM_004035.7(ACOX1):c.1178G>A (p.Arg393Gln)

Gene: ACOX1 (acyl-CoA oxidase 1; minus strand). Cytogenetic location: 17q25.1.
Variant type: single nucleotide variant.
Coding change: c.1178G>A on transcript NM_004035.7 (MANE Select); coding-DNA position 1178, G replaced by A.
Protein change: p.Arg393Gln; replaces arginine 393 with glutamine.
Molecular consequence: missense variant.
Genome position (GRCh38, 1-based): chr17:75,950,894, C>T on the plus strand (G>A on the coding strand, the complement: ACOX1 is on the minus strand). VCF-style: chr17-75950894-C-T. GRCh37 (hg19) VCF-style: chr17-73946975-C-T.
Other names: c.1064G>A, p.Arg355Gln (NM_001185039.2); c.1178G>A, p.Arg393Gln (NM_007292.6); short protein forms R393Q, R355Q.
Identifiers: ClinVar variation 4733991 (VCV004733991.1).

ClinVar aggregate classification (germline): Uncertain significance (1 of 4 stars; one submission).

Conditions:
Acyl-CoA oxidase deficiency. Also called: STRAIGHT-CHAIN ACYL-CoA OXIDASE DEFICIENCY; Pseudoneonatal adrenoleukodystrophy; Peroxisomal acyl-CoA oxidase deficiency. Identifiers: Orphanet 2971, MedGen C1849678, MONDO:0009919, OMIM 264470. Disease mechanism: loss of function.

gnomAD v4.1: 30 of 1,614,018 alleles (0.0019%); highest among the groups gnomAD compares: African/African-American, 0.004%; no homozygotes.

Submission:

Labcorp Genetics (formerly Invitae), Labcorp
Classification: Uncertain significance for Acyl-CoA oxidase deficiency. Last evaluated: 2025-07-05. Review status: criteria provided, single submitter. Criteria: Invitae Variant Classification Sherloc (09022015). Collection method: clinical testing. Allele origin: germline.
Comment: This sequence change replaces arginine, which is basic and polar, with glutamine, which is neutral and polar, at codon 393 of the ACOX1 protein (p.Arg393Gln). This variant is present in population databases (rs776963089, gnomAD 0.007%). This variant has not been reported in the literature in individuals affected with ACOX1-related conditions. Invitae Evidence Modeling of protein sequence and biophysical properties (such as structural, functional, and spatial information, amino acid conservation, physicochemical variation, residue mobility, and thermodynamic stability) indicates that this missense variant is expected to disrupt ACOX1 protein function with a positive predictive value of 80%. Algorithms developed to predict the effect of sequence changes on RNA splicing suggest that this variant may disrupt the consensus splice site. In summary, the available evidence is currently insufficient to determine the role of this variant in disease. Therefore, it has been classified as a Variant of Uncertain Significance.